The following is an entry in ClinVar:

NM_007348.4(ATF6):c.494T>A (p.Leu165Gln)

Gene: ATF6 (activating transcription factor 6; plus strand). Cytogenetic location: 1q23.3.
Variant type: single nucleotide variant.
Coding change: c.494T>A on transcript NM_007348.4 (MANE Select); coding-DNA position 494, T replaced by A.
Protein change: p.Leu165Gln; replaces leucine 165 with glutamine.
Molecular consequence: missense variant.
Genome position (GRCh38, 1-based): chr1:161,792,133, T>A. VCF-style: chr1-161792133-T-A. GRCh37 (hg19) VCF-style: chr1-161761923-T-A.
Other names: short protein forms L165Q.
Identifiers: ClinVar variation 941145 (VCV000941145.6), dbSNP rs1684895628, ClinGen allele CA343386343.

ClinVar aggregate classification (germline): Uncertain significance (1 of 4 stars; one submission).

Allele frequency attached by ClinVar (database versions not stated): gnomAD exomes below 0.00001.
gnomAD v4.1: 4 of 1,613,802 alleles (0.00025%); highest among the groups gnomAD compares: Non-Finnish European, 0.00034%; no homozygotes.

Submission:

Labcorp Genetics (formerly Invitae), Labcorp
Classification: Uncertain significance. Last evaluated: 2025-04-28. Review status: criteria provided, single submitter. Criteria: Invitae Variant Classification Sherloc (09022015). Collection method: clinical testing. Allele origin: germline.
Comment: This sequence change replaces leucine, which is neutral and non-polar, with glutamine, which is neutral and polar, at codon 165 of the ATF6 protein (p.Leu165Gln). This variant is not present in population databases (gnomAD no frequency). This variant has not been reported in the literature in individuals affected with ATF6-related conditions. ClinVar contains an entry for this variant (Variation ID: 941145). Invitae Evidence Modeling of protein sequence and biophysical properties (such as structural, functional, and spatial information, amino acid conservation, physicochemical variation, residue mobility, and thermodynamic stability) indicates that this missense variant is not expected to disrupt ATF6 protein function with a negative predictive value of 80%. In summary, the available evidence is currently insufficient to determine the role of this variant in disease. Therefore, it has been classified as a Variant of Uncertain Significance.